The following is an entry in ClinVar:

NM_002471.4(MYH6):c.2162G>A (p.Arg721Gln)

Gene: MYH6 (myosin heavy chain 6; minus strand). Cytogenetic location: 14q11.2.
Variant type: single nucleotide variant.
Coding change: c.2162G>A on transcript NM_002471.4 (MANE Select); coding-DNA position 2162, G replaced by A.
Protein change: p.Arg721Gln; replaces arginine 721 with glutamine.
Molecular consequence: missense variant.
Genome position (GRCh38, 1-based): chr14:23,396,969, C>T on the plus strand (G>A on the coding strand, the complement: MYH6 is on the minus strand). VCF-style: chr14-23396969-C-T. GRCh37 (hg19) VCF-style: chr14-23866178-C-T.
Other names: short protein forms R721Q.
Identifiers: ClinVar variation 521390 (VCV000521390.5), dbSNP rs770907731, ClinGen allele CA7115577.
Genomic context (GRCh38, chr14:23,396,969, plus strand): 5'-CAGGGCAGCCTGGCTCCCCCTGTTCTATGAGCTCTGGGGCACCCTCATACCCACCTCTGC[C>T]GGAAGTCCCCGTAGAGGATGCGGTTGGGGAAGCCCTTCCTGCAGATGCGGATGCCCTCCA-3'
Protein context (NP_002462.2, residues 711-731): FPNRILYGDF[Arg721Gln]QRYRILNPVA

ClinVar aggregate classification (germline): Uncertain significance (1 of 4 stars; one submission).

Conditions:
Cardiovascular phenotype. Identifiers: MedGen CN230736.

Allele frequency attached by ClinVar (database versions not stated): gnomAD exomes below 0.00001; TOPMed below 0.00001; ExAC 0.00001; gnomAD 0.00001.

Submission:

Ambry Genetics
Classification: Uncertain significance for Cardiovascular phenotype. Last evaluated: 2026-09-14. Review status: criteria provided, single submitter. Criteria: Ambry Variant Classification Scheme 2023. Collection method: clinical testing. Allele origin: germline.
Comment: The p.R721Q variant (also known as c.2162G>A), located in coding exon 16 of the MYH6 gene, results from a G to A substitution at nucleotide position 2162. The arginine at codon 721 is replaced by glutamine, an amino acid with highly similar properties. This variant has been identified in conjunction with other MYH6 variant(s) in individual(s) with features consistent with congenital heart defects (Zhu W et al. Genes (Basel), 2022 Apr;13:[ePub ahead of print]). This amino acid position is not well conserved in available vertebrate species. In addition, this alteration is predicted to be tolerated by in silico analysis. Based on the available evidence, the clinical significance of this variant remains unclear.

Literature cited by the submitters: PubMed 35456442.